The following is an entry in ClinVar:

NM_000548.5(TSC2):c.5011G>T (p.Val1671Leu)

Gene: TSC2 (TSC complex subunit 2; plus strand). Cytogenetic location: 16p13.3.
Variant type: single nucleotide variant.
Coding change: c.5011G>T on transcript NM_000548.5 (MANE Select); coding-DNA position 5011, G replaced by T.
Protein change: p.Val1671Leu; replaces valine 1671 with leucine.
Molecular consequence: missense variant. On other transcripts: non-coding transcript variant (5).
Genome position (GRCh38, 1-based): chr16:2,087,884, G>T. VCF-style: chr16-2087884-G-T. GRCh37 (hg19) VCF-style: chr16-2137885-G-T.
Other names: c.4810G>T, p.Val1604Leu (NM_001077183.3); c.4942G>T, p.Val1648Leu (NM_001114382.3); c.4702G>T, p.Val1568Leu (NM_001318827.2); c.4666G>T, p.Val1556Leu (NM_001318829.2); c.4279G>T, p.Val1427Leu (NM_001318831.2); c.4843G>T, p.Val1615Leu (NM_001318832.2); c.4813G>T, p.Val1605Leu (NM_001363528.2); c.4879G>T, p.Val1627Leu (NM_001370404.1); and 26 more; short protein forms V1670L, V1671L, V1070L, V1156L, V1157L, V1179L, V1180L, V1200L.
Identifiers: ClinVar variation 2661997 (VCV002661997.1), dbSNP rs775395648, ClinGen allele CA394311158.

ClinVar aggregate classification (germline): Uncertain significance (1 of 4 stars; one submission).

Submission:

GeneDx
Classification: Uncertain significance. Last evaluated: 2023-04-27. Review status: criteria provided, single submitter. Criteria: GeneDx Variant Classification Process June 2021. Collection method: clinical testing. Allele origin: germline. Affected: yes.
Comment: Not observed at significant frequency in large population cohorts (gnomAD); In silico analysis supports that this missense variant has a deleterious effect on protein structure/function; Has not been previously published as pathogenic or benign to our knowledge; This variant is associated with the following publications: (PMID: 18466115)